The following is an entry in ClinVar:

NM_152564.5(VPS13B):c.3249T>G (p.Asp1083Glu)

Gene: VPS13B (vacuolar protein sorting 13 homolog B; plus strand). Cytogenetic location: 8q22.2.
Variant type: single nucleotide variant.
Coding change: c.3249T>G on transcript NM_152564.5 (MANE Select); coding-DNA position 3249, T replaced by G.
Protein change: p.Asp1083Glu; replaces aspartic acid 1083 with glutamic acid.
Molecular consequence: missense variant.
Genome position (GRCh38, 1-based): chr8:99,442,439, T>G. VCF-style: chr8-99442439-T-G. GRCh37 (hg19) VCF-style: chr8-100454667-T-G.
Other names: c.3249T>G, p.Asp1083Glu (NM_017890.5); short protein forms D1083E.
Identifiers: ClinVar variation 587972 (VCV000587972.5), dbSNP rs1196083061, ClinGen allele CA371870413.
Genomic context (GRCh38, chr8:99,442,439, plus strand): 5'-TAATTCTGCTTTTCTTTTCTAGCTTGAAGTACAATCTTGTTGTGTGTTTATTCCAAATGA[T>G]AGCCTGCCTTCCCCAAGTACAATTGTATCTGGTGACATTCCTGGAACAGTAAGAAGTTGG-3'
Protein context (NP_689777.3, residues 1073-1093): VQSCCVFIPN[Asp1083Glu]SLPSPSTIVS

ClinVar aggregate classification (germline): Uncertain significance (1 of 4 stars; one submission).

Conditions:
Inborn genetic diseases. Identifiers: MedGen C0950123, MeSH D030342.

Submission:

Ambry Genetics
Classification: Uncertain significance for Inborn genetic diseases. Last evaluated: 2016-06-24. Review status: criteria provided, single submitter. Criteria: Ambry Variant Classification Scheme 2023. Collection method: clinical testing. Allele origin: germline.
Comment: The p.D1083E variant (also known as c.3249T>G), located in coding exon 22 of the VPS13B gene, results from a T to G substitution at nucleotide position 3249. The aspartic acid at codon 1083 is replaced by glutamic acid, an amino acid with highly similar properties. This variant was not reported in population based cohorts in the following databases: Database of Single Nucleotide Polymorphisms (dbSNP), NHLBI Exome Sequencing Project (ESP), and 1000 Genomes Project. In the ESP, this variant was not observed in 6503 samples (13006 alleles) with coverage at this position. This amino acid position is well conserved in available vertebrate species. In addition, this alteration is predicted to be tolerated by in silico analysis. Since supporting evidence is limited at this time, the clinical significance of this alteration remains unclear.